The following is an entry in ClinVar:

ClinVar aggregate classification (germline): Benign/Likely benign. Review status: criteria provided, multiple submitters, no conflicts (2 of 4 stars). 5 submissions from 5 submitters: Benign (1); Likely benign (3). 1 of the submissions does not count toward it. Last evaluated 2026-01-31.

Conditions:
Hereditary cancer-predisposing syndrome. Also called: Hereditary Cancer Syndrome; Hereditary neoplastic syndrome; Neoplastic Syndromes, Hereditary; Tumor predisposition. Identifiers: Orphanet 140162, MedGen C0027672, MeSH D009386, MONDO:0015356.
Familial cancer of breast. Also called: hereditary breast carcinoma; Hereditary breast cancer; BREAST CANCER, FAMILIAL. Identifiers: Orphanet 227535, MedGen C0346153, MONDO:0016419, OMIM 114480. Disease mechanism: loss of function.

Allele frequency attached by ClinVar (database versions not stated): TOPMed 0.00001; gnomAD 0.00002.
gnomAD v4.1: 14 of 1,511,254 alleles (0.00093%); highest among the groups gnomAD compares: East Asian, 0.032%; no homozygotes.

Submissions (5):

Labcorp Genetics (formerly Invitae), Labcorp
Classification: Benign for Familial cancer of breast. Last evaluated: 2026-01-31. Review status: criteria provided, single submitter. Criteria: Invitae Variant Classification Sherloc (09022015). Collection method: clinical testing. Allele origin: germline.

Myriad Genetics, Inc.
Classification: Likely benign for Familial cancer of breast. Last evaluated: 2023-03-08. Review status: criteria provided, single submitter. Criteria: Myriad Autosomal Dominant, Autosomal Recessive and X-Linked Classification Criteria (2023). Collection method: clinical testing. Allele origin: unknown.
Comment: This variant is considered likely benign. This variant is intronic and is not expected to impact mRNA splicing.

Color Diagnostics, LLC DBA Color Health
Classification: Likely benign for Hereditary cancer-predisposing syndrome. Last evaluated: 2017-09-16. Review status: criteria provided, single submitter. Criteria: ACMG Guidelines, 2015. Collection method: clinical testing. Allele origin: germline.

GeneDx
Classification: Likely benign. Last evaluated: 2017-07-18. Review status: criteria provided, single submitter. Criteria: GeneDx Variant Classification (06012015). Collection method: clinical testing. Allele origin: germline. Affected: yes.
Comment: This variant is considered likely benign or benign based on one or more of the following criteria: it is a conservative change, it occurs at a poorly conserved position in the protein, it is predicted to be benign by multiple in silico algorithms, and/or has population frequency not consistent with disease.

Counsyl
Classification: Likely benign for Familial cancer of breast. Last evaluated: 2018-01-16. Review status: no assertion criteria provided. Collection method: clinical testing. Allele origin: unknown. Not counted in ClinVar's aggregate classification.

Literature cited by the submitters: PubMed 26787654 (cited by Counsyl).

NM_007194.4(CHEK2):c.793-17T>C

Gene: CHEK2 (checkpoint kinase 2; minus strand). Cytogenetic location: 22q12.1.
Variant type: single nucleotide variant.
Coding change: c.793-17T>C on transcript NM_007194.4 (MANE Select); 17 bases into the intron before coding-DNA position 793, T replaced by C.
Molecular consequence: intron variant.
Genome position (GRCh38, 1-based): chr22:28,710,076, A>G on the plus strand (T>C on the coding strand, the complement: CHEK2 is on the minus strand). VCF-style: chr22-28710076-A-G. GRCh37 (hg19) VCF-style: chr22-29106064-A-G.
Other names: c.130-17T>C (NM_001437942.1, NM_001257387.3); c.592-17T>C (NM_001349956.3); c.793-17T>C (NM_145862.3); c.886-17T>C (NM_001438295.1, NM_001438293.1); c.922-17T>C (NM_001438294.1, NM_001005735.3).
Identifiers: ClinVar variation 383572 (VCV000383572.13), dbSNP rs778511901, ClinGen allele CA10167859.